The following is an entry in ClinVar:

ClinVar aggregate classification (germline): Benign/Likely benign. Review status: criteria provided, multiple submitters, no conflicts (2 of 4 stars). 3 submissions from 3 submitters: Benign (2); Likely benign (1). Last evaluated 2022-11-01.

Allele frequency attached by ClinVar (database versions not stated): 1000 Genomes Project 30x 0.00219; 1000 Genomes Project 0.00240; ExAC 0.00398; TOPMed 0.00404; ESP Exome Variant Server 0.00438; gnomAD exomes 0.00444 and 0.00534; gnomAD 0.00456 and 0.00485.

Submissions (3):

CeGaT Center for Human Genetics Tuebingen
Classification: Likely benign. Last evaluated: 2022-11-01. Review status: criteria provided, single submitter. Criteria: CeGaT Center For Human Genetics Tuebingen Variant Classification Criteria Version 2. Collection method: clinical testing. Allele origin: germline. Affected: yes. Observed: 1 variant allele.
Comment: HHIPL2: BS2

Labcorp Genetics (formerly Invitae), Labcorp
Classification: Benign. Last evaluated: 2018-06-19. Review status: criteria provided, single submitter. Criteria: Invitae Variant Classification Sherloc (09022015). Collection method: clinical testing. Allele origin: germline.

Breakthrough Genomics
Classification: Benign. Review status: criteria provided, single submitter. Criteria: ACMG Guidelines, 2015. Collection method: not provided. Allele origin: germline. Inheritance: Unknown mechanism. Affected: yes.

NM_024746.4(HHIPL2):c.1459C>A (p.Leu487Met)

Gene: HHIPL2 (HHIP like 2; minus strand). Cytogenetic location: 1q41.
Variant type: single nucleotide variant.
Coding change: c.1459C>A on transcript NM_024746.4 (MANE Select); coding-DNA position 1459, C replaced by A.
Protein change: p.Leu487Met; replaces leucine 487 with methionine.
Molecular consequence: missense variant.
Genome position (GRCh38, 1-based): chr1:222,538,766, G>T on the plus strand (C>A on the coding strand, the complement: HHIPL2 is on the minus strand). VCF-style: chr1-222538766-G-T. GRCh37 (hg19) VCF-style: chr1-222712108-G-T.
Other names: short protein forms L487M.
Identifiers: ClinVar variation 720660 (VCV000720660.28), dbSNP rs116359984, ClinGen allele CA1405616.